The following is an entry in ClinVar:

ClinVar aggregate classification (germline): Conflicting classifications of pathogenicity. Review status: criteria provided, conflicting classifications (1 of 4 stars). 13 submissions from 13 submitters: Uncertain significance (1); Benign (5); Likely benign (5). 2 of the submissions do not count toward it. Last evaluated 2026-01-19.

Conditions:
APC-Associated Polyposis Disorders.
Hereditary cancer-predisposing syndrome. Also called: Tumor predisposition; Neoplastic Syndromes, Hereditary; Hereditary neoplastic syndrome; Hereditary Cancer Syndrome. Identifiers: Orphanet 140162, MedGen C0027672, MeSH D009386, MONDO:0015356.
Familial adenomatous polyposis 1 (FAP1). Also called: FAMILIAL ADENOMATOUS POLYPOSIS 1, ATTENUATED; POLYPOSIS, ADENOMATOUS INTESTINAL. Identifiers: MedGen C2713442, MONDO:0021056, OMIM 175100. Disease mechanism: loss of function.
Carcinoma of colon (CRC). Also called: Colon carcinoma; Colonic carcinoma. Identifiers: MedGen C0699790, MONDO:0002032.

Allele frequency attached by ClinVar (database versions not stated): ExAC 0.00013; ESP Exome Variant Server 0.00015; gnomAD 0.00016 and 0.00019; TOPMed 0.00017; gnomAD exomes 0.00040.
gnomAD v4.1: 593 of 1,613,866 alleles (0.037%); highest among the groups gnomAD compares: Non-Finnish European, 0.049%; 1 homozygote.

Submissions (13):

Labcorp Genetics (formerly Invitae), Labcorp
Classification: Likely benign for Familial adenomatous polyposis 1. Last evaluated: 2026-01-19. Review status: criteria provided, single submitter. Criteria: Invitae Variant Classification Sherloc (09022015). Collection method: clinical testing. Allele origin: germline.

Center for Genomic Medicine, Rigshospitalet, Copenhagen University Hospital
Classification: Likely benign. Last evaluated: 2025-03-04. Review status: criteria provided, single submitter. Criteria: ACMG Guidelines, 2015. Collection method: clinical testing. Allele origin: germline.

Blueprint Genetics
Classification: Benign. Last evaluated: 2024-10-28. Review status: criteria provided, single submitter. Criteria: ACMG Guidelines, 2015. Collection method: clinical testing. Allele origin: germline.

Myriad Genetics, Inc.
Classification: Benign for Familial adenomatous polyposis 1. Last evaluated: 2023-02-17. Review status: criteria provided, single submitter. Criteria: Myriad Autosomal Dominant, Autosomal Recessive and X-Linked Classification Criteria (2023). Collection method: clinical testing. Allele origin: unknown.
Comment: This variant is considered benign. This variant is a silent/synonymous amino acid change and it is not expected to impact splicing.

Quest Diagnostics Nichols Institute San Juan Capistrano
Classification: Benign. Last evaluated: 2022-01-19. Review status: criteria provided, single submitter. Criteria: Quest Diagnostics criteria. Collection method: clinical testing. Allele origin: unknown.

Sema4
Classification: Likely benign for Hereditary cancer-predisposing syndrome. Last evaluated: 2021-11-04. Review status: criteria provided, single submitter. Criteria: Sema4 Curation Guidelines. Collection method: curation. Allele origin: germline.

Illumina Laboratory Services, Illumina
Classification: Uncertain significance for APC-Associated Polyposis Disorders. Last evaluated: 2018-07-10. Review status: criteria provided, single submitter. Criteria: ICSL Variant Classification Criteria 13 December 2019. Collection method: clinical testing. Allele origin: germline.
Comment: This variant was observed as part of a predisposition screen in an ostensibly healthy population. A literature search was performed for the gene, cDNA change, and amino acid change (where applicable). Publications were found based on this search. However, the evidence from the literature, in combination with allele frequency data from public databases where available, was not sufficient to rule this variant in or out of causing disease. Therefore, this variant is classified as a variant of unknown significance.

Women's Health and Genetics/Laboratory Corporation of America, LabCorp
Classification: Benign. Last evaluated: 2016-06-10. Review status: criteria provided, single submitter. Criteria: LabCorp Variant Classification Summary - May 2015. Collection method: clinical testing. Allele origin: germline.
Comment: Variant summary: The APC c.2205G>A (p.Ala735Ala) variant causes a synonymous change involving a non-conserved nucleotide with 5/5 in silico prediction tools predicting no significant effect on splicing, although these predictions have yet to be functionally assessed. This variant was observed in the large, broad control population, ExAC, with an allele frequency of 16/120502 (1/7530), predominantly observed in the African subpopulation, 5/10246 (1/2049), which exceeds the estimated maximal expected allele frequency for a pathogenic APC variant of 1/14005 (0.0000714). Therefore, suggesting this is likely a benign polymorphism found primarily in population(s)of African origin. In addition, multiple clinical diagnostic laboratories and a publication classified this variant as Likely Benign. Therefore, taking all available lines of evidence into consideration, the variant of interest is classified as Benign.

Color Diagnostics, LLC DBA Color Health
Classification: Likely benign for Hereditary cancer-predisposing syndrome. Last evaluated: 2016-05-19. Review status: criteria provided, single submitter. Criteria: ACMG Guidelines, 2015. Collection method: clinical testing. Allele origin: germline.

GeneDx
Classification: Benign. Last evaluated: 2015-03-20. Review status: criteria provided, single submitter. Criteria: GeneDx Variant Classification (06012015). Collection method: clinical testing. Allele origin: germline. Affected: yes.
Comment: This variant is considered likely benign or benign based on one or more of the following criteria: it is a conservative change, it occurs at a poorly conserved position in the protein, it is predicted to be benign by multiple in silico algorithms, and/or has population frequency not consistent with disease.

Ambry Genetics
Classification: Likely benign for Hereditary cancer-predisposing syndrome. Last evaluated: 2014-12-19. Review status: criteria provided, single submitter. Criteria: Ambry Variant Classification Scheme 2023. Collection method: clinical testing. Allele origin: germline.

Counsyl
Classification: Likely benign for Familial adenomatous polyposis 1. Last evaluated: 2016-07-26. Review status: no assertion criteria provided. Collection method: clinical testing. Allele origin: unknown. Not counted in ClinVar's aggregate classification.

Department of Pathology and Laboratory Medicine, Sinai Health System
Classification: Likely benign for Carcinoma of colon. Review status: no assertion criteria provided. Collection method: clinical testing. Allele origin: unknown. Affected: yes. Study: The Canadian Open Genetics Repository (COGR). Not counted in ClinVar's aggregate classification.
Comment: The p.Ala735Ala variant is not expected to have clinical significance because it does not result in a change of amino acid and is not located in a known consensus splice site. The variant was not identified in the literature, but was identified in dbSNP (ID: rs141001261) and in the COSMIC database. The variant is listed in the NHLBI Exome Sequencing Project with frequencies of 0.0001 in European American alleles and 0.0002 in African American alleles, though these frequencies are based solely on one occurrence of the variant allele in each cohort. In summary, based on the above information, the clinical significance of this variant cannot be determined with certainty at this time although we would lean towards a more benign role for this variant. This variant is classified as predicted benign.

Literature cited by the submitters: PubMed 23159591 (cited by 3 submitters).

NM_000038.6(APC):c.2205G>A (p.Ala735=)

Gene: APC (APC regulator of Wnt signaling pathway; plus strand). Cytogenetic location: 5q22.2.
Variant type: single nucleotide variant.
Coding change: c.2205G>A on transcript NM_000038.6 (MANE Select); coding-DNA position 2205, G replaced by A.
Protein change: p.Ala735=; no amino-acid change (alanine 735 retained).
Molecular consequence: synonymous variant.
Genome position (GRCh38, 1-based): chr5:112,837,799, G>A. VCF-style: chr5-112837799-G-A. GRCh37 (hg19) VCF-style: chr5-112173496-G-A.
Other names: c.2205G>A, p.Ala735= (NM_001127510.3, NM_001354895.2); c.2151G>A, p.Ala717= (NM_001127511.3); c.2259G>A, p.Ala753= (NM_001354896.2); c.2235G>A, p.Ala745= (NM_001354897.2); c.2130G>A, p.Ala710= (NM_001354898.2); c.2121G>A, p.Ala707= (NM_001354899.2); c.2082G>A, p.Ala694= (NM_001354900.2); c.2028G>A, p.Ala676= (NM_001354901.2); and 5 more.
Identifiers: ClinVar variation 183919 (VCV000183919.43), dbSNP rs141001261, ClinGen allele CA007267.